The following is an entry in ClinVar:

NM_001384732.1(CPLANE1):c.6172C>G (p.Leu2058Val)

Gene: CPLANE1 (ciliogenesis and planar polarity effector complex subunit 1; minus strand). Cytogenetic location: 5p13.2.
Variant type: single nucleotide variant.
Coding change: c.6172C>G on transcript NM_001384732.1 (MANE Select); coding-DNA position 6172, C replaced by G.
Protein change: p.Leu2058Val; replaces leucine 2058 with valine.
Molecular consequence: missense variant.
Genome position (GRCh38, 1-based): chr5:37,170,331, G>C on the plus strand (C>G on the coding strand, the complement: CPLANE1 is on the minus strand). VCF-style: chr5-37170331-G-C. GRCh37 (hg19) VCF-style: chr5-37170433-G-C.
Other names: c.6172C>G, p.Leu2058Val (NM_023073.4); short protein forms L2058V.
Identifiers: ClinVar variation 635059 (VCV000635059.1), dbSNP rs576883816, ClinGen allele CA3238309.

ClinVar aggregate classification (germline): Uncertain significance (1 of 4 stars; one submission).

Conditions:
Joubert syndrome 17 (JBTS17). Identifiers: Orphanet 475, MedGen C3553264, MONDO:0013824, OMIM 614615.

Allele frequency attached by ClinVar (database versions not stated): TOPMed below 0.00001; gnomAD 0.00001; ExAC 0.00002; gnomAD exomes 0.00002; 1000 Genomes Project 30x 0.00016; 1000 Genomes Project 0.00020.
gnomAD v4.1: 9 of 1,600,398 alleles (0.00056%); highest among the groups gnomAD compares: South Asian, 0.0079%; no homozygotes.

Submission:

Broad Center for Mendelian Genomics, Broad Institute of MIT and Harvard
Classification: Uncertain significance for Joubert syndrome 17. Last evaluated: 2018-06-15. Review status: criteria provided, single submitter. Criteria: ACMG Guidelines, 2015. Collection method: research. Allele origin: germline. Inheritance: Autosomal recessive inheritance. Affected: yes.
Comment: This variant was absent from large population studies. The Leucine (Leu) at position 2058 is not highly conserved in mammals and evolutionarily distant species, raising the possibility that a change at this position may not be tolerated. Computational prediction tools do not suggest that this variant may impact the protein, though this information is not predictive enough to determine pathogenicity. In summary, the clinical significance of this variant is uncertain.